The following is an entry in ClinVar:

ClinVar aggregate classification (germline): Likely benign (1 of 4 stars; one submission).

Conditions:
POMC-related disorder. Also called: POMC-related disorders; POMC-related condition.

gnomAD v4.1: 6 of 1,583,416 alleles (0.00038%); highest among the groups gnomAD compares: Non-Finnish European, 0.00051%; no homozygotes.

Submission:

PreventionGenetics, part of Exact Sciences
Classification: Likely benign for POMC-related condition. Last evaluated: 2025-12-12. Review status: criteria provided, single submitter. Criteria: ACMG Guidelines, 2015. Collection method: clinical testing. Allele origin: germline.
Comment: This variant is classified as likely benign based on ACMG/AMP sequence variant interpretation guidelines (Richards et al. 2015 PMID: 25741868, with internal and published modifications).

NM_000939.4(POMC):c.192T>C (p.Asn64=)

Genes: POMC (proopiomelanocortin; minus strand), LOC129933280 (ATAC-STARR-seq lymphoblastoid silent region 11244; plus strand). Cytogenetic location: 2p23.3.
Variant type: single nucleotide variant.
Coding change: c.192T>C on transcript NM_000939.4 (MANE Select); coding-DNA position 192, T replaced by C.
Protein change: p.Asn64=; no amino-acid change (asparagine 64 retained).
Molecular consequence: synonymous variant.
Genome position (GRCh38, 1-based): chr2:25,161,693, A>G on the plus strand (T>C on the coding strand, the complement: POMC is on the minus strand). VCF-style: chr2-25161693-A-G. GRCh37 (hg19) VCF-style: chr2-25384562-A-G.
Other names: c.192T>C, p.Asn64= (NM_001035256.3, NM_001319204.2, NM_001319205.2).
Identifiers: ClinVar variation 4995447 (VCV004995447.1).